The following is an entry in ClinVar:

ClinVar aggregate classification (germline): Likely benign (0 of 4 stars; one submission).

Conditions:
ZEB1-related disorder. Also called: ZEB1-related condition.

Allele frequency attached by ClinVar (database versions not stated): gnomAD exomes 0.00006; 1000 Genomes Project 0.00060; gnomAD 0.00060; 1000 Genomes Project 30x 0.00062; TOPMed 0.00063; ESP Exome Variant Server 0.00085.
gnomAD v4.1: 176 of 1,614,124 alleles (0.011%); highest among the groups gnomAD compares: African/African-American, 0.22%; no homozygotes.

Submission:

PreventionGenetics, part of Exact Sciences
Classification: Likely benign for ZEB1-related condition. Last evaluated: 2022-03-28. Review status: no assertion criteria provided. Collection method: clinical testing. Allele origin: germline.
Comment: This variant is classified as likely benign based on ACMG/AMP sequence variant interpretation guidelines (Richards et al. 2015 PMID: 25741868, with internal and published modifications).

NM_001174096.2(ZEB1):c.2073A>G (p.Pro691=)

Gene: ZEB1 (zinc finger E-box binding homeobox 1; plus strand). Cytogenetic location: 10p11.22.
Variant type: single nucleotide variant.
Coding change: c.2073A>G on transcript NM_001174096.2 (MANE Select); coding-DNA position 2073, A replaced by G.
Protein change: p.Pro691=; no amino-acid change (proline 691 retained).
Molecular consequence: synonymous variant.
Genome position (GRCh38, 1-based): chr10:31,521,405, A>G. VCF-style: chr10-31521405-A-G. GRCh37 (hg19) VCF-style: chr10-31810333-A-G.
Other names: c.2022A>G, p.Pro674= (NM_001128128.3); c.2010A>G, p.Pro670= (NM_001174093.2); c.2019A>G, p.Pro673= (NM_001174094.2); c.1869A>G, p.Pro623= (NM_001174095.2); c.1416A>G, p.Pro472= (NM_001323638.2, NM_001323641.2, NM_001323642.2 and 27 more transcripts); c.1848A>G, p.Pro616= (NM_001323674.2); c.1806A>G, p.Pro602= (NM_001323675.2); c.2031A>G, p.Pro677= (NM_001323676.2); and 3 more.
Identifiers: ClinVar variation 3036209 (VCV003036209.2), dbSNP rs35501784, ClinGen allele CA5461738.